The following is an entry in ClinVar:

ClinVar aggregate classification (germline): Benign/Likely benign. Review status: criteria provided, multiple submitters, no conflicts (2 of 4 stars). 3 submissions from 3 submitters: Benign (1); Likely benign (1). 1 of the submissions does not count toward it. Last evaluated 2026-01-25.

Conditions:
EXTL3-related disorder. Also called: EXTL3-related condition.

Allele frequency attached by ClinVar (database versions not stated): 1000 Genomes Project 30x 0.00016; 1000 Genomes Project 0.00020; gnomAD exomes 0.00029; ExAC 0.00035; gnomAD 0.00084 and 0.00094; TOPMed 0.00086; ESP Exome Variant Server 0.00138.
gnomAD v4.1: 246 of 1,614,210 alleles (0.015%); highest among the groups gnomAD compares: African/African-American, 0.27%; 2 homozygotes.

Submissions (3):

Labcorp Genetics (formerly Invitae), Labcorp
Classification: Benign. Last evaluated: 2026-01-25. Review status: criteria provided, single submitter. Criteria: Invitae Variant Classification Sherloc (09022015). Collection method: clinical testing. Allele origin: germline.

Blueprint Genetics
Classification: Likely benign. Last evaluated: 2024-08-28. Review status: criteria provided, single submitter. Criteria: ACMG Guidelines, 2015. Collection method: clinical testing. Allele origin: germline.

PreventionGenetics, part of Exact Sciences
Classification: Likely benign for EXTL3-related condition. Last evaluated: 2019-06-11. Review status: no assertion criteria provided. Collection method: clinical testing. Allele origin: germline. Not counted in ClinVar's aggregate classification.
Comment: This variant is classified as likely benign based on ACMG/AMP sequence variant interpretation guidelines (Richards et al. 2015 PMID: 25741868, with internal and published modifications).

NM_001440.4(EXTL3):c.2649C>T (p.Phe883=)

Gene: EXTL3 (exostosin like glycosyltransferase 3; plus strand). Cytogenetic location: 8p21.1.
Variant type: single nucleotide variant.
Coding change: c.2649C>T on transcript NM_001440.4 (MANE Select); coding-DNA position 2649, C replaced by T.
Protein change: p.Phe883=; no amino-acid change (phenylalanine 883 retained).
Molecular consequence: synonymous variant. On other transcripts: non-coding transcript variant (1).
Genome position (GRCh38, 1-based): chr8:28,750,755, C>T. VCF-style: chr8-28750755-C-T. GRCh37 (hg19) VCF-style: chr8-28608272-C-T.
Other names: c.2649C>T (NM_001440.3).
Identifiers: ClinVar variation 1164916 (VCV001164916.10), dbSNP rs146639822, ClinGen allele CA4696486.